The following is an entry in ClinVar:

NM_001371986.1(UNC80):c.4622C>T (p.Thr1541Ile)

Gene: UNC80 (unc-80 subunit of NALCN channel complex; plus strand). Cytogenetic location: 2q34.
Variant type: single nucleotide variant.
Coding change: c.4622C>T on transcript NM_001371986.1 (MANE Select); coding-DNA position 4622, C replaced by T.
Protein change: p.Thr1541Ile; replaces threonine 1541 with isoleucine.
Molecular consequence: missense variant.
Genome position (GRCh38, 1-based): chr2:209,904,805, C>T. VCF-style: chr2-209904805-C-T. GRCh37 (hg19) VCF-style: chr2-210769529-C-T.
Other names: c.4424C>T (NM_032504.1); c.4424C>T, p.Thr1475Ile (NM_032504.2); c.4409C>T, p.Thr1470Ile (NM_182587.4); short protein forms T1470I, T1475I, T1541I.
Identifiers: ClinVar variation 1503935 (VCV001503935.8), dbSNP rs771367972, ClinGen allele CA2083215.

ClinVar aggregate classification (germline): Uncertain significance. Review status: criteria provided, multiple submitters, no conflicts (2 of 4 stars). 5 submissions from 5 submitters: Uncertain significance (5). Last evaluated 2025-07-16.

Conditions:
Inborn genetic diseases. Identifiers: MedGen C0950123, MeSH D030342.
UNC80-related disorder. Also called: UNC80-related condition.
Hypotonia, infantile, with psychomotor retardation and characteristic facies 2 (IHPRF2). Also called: UNC80 Deficiency. Identifiers: Orphanet 371364, Orphanet 700333, MedGen C4225203, MONDO:0014777, OMIM 616801.

Allele frequency attached by ClinVar (database versions not stated): gnomAD exomes 0.00002 and 0.00003; gnomAD 0.00003 and 0.00004; TOPMed 0.00005; ExAC 0.00009.
gnomAD v4.1: 44 of 1,551,886 alleles (0.0028%); highest among the groups gnomAD compares: Admixed American, 0.0039%; no homozygotes.

Submissions (5):

Women's Health and Genetics/Laboratory Corporation of America, LabCorp
Classification: Uncertain significance. Last evaluated: 2025-07-16. Review status: criteria provided, single submitter. Criteria: LabCorp Variant Classification Summary - May 2015. Collection method: clinical testing. Allele origin: germline.
Comment: Variant summary: UNC80 c.4424C>T (p.Thr1475Ile) results in a non-conservative amino acid change located in the Protein UNC80, central region domain (IPR045852) of the encoded protein sequence. Algorithms developed to predict the effect of missense changes on protein structure and function are either unavailable or do not agree on the potential impact of this missense change. The variant allele was found at a frequency of 1.9e-05 in 157762 control chromosomes. The available data on variant occurrences in the general population are insufficient to allow any conclusion about variant significance. To our knowledge, no occurrence of c.4424C>T in individuals affected with Infantile Hypotonia With Psychomotor Retardation And Characteristic Facies 2 and no experimental evidence demonstrating its impact on protein function have been reported. ClinVar contains an entry for this variant (Variation ID: 1503935). Based on the evidence outlined above, the variant was classified as uncertain significance.

PreventionGenetics, part of Exact Sciences
Classification: Uncertain significance for UNC80-related condition. Last evaluated: 2023-07-28. Review status: criteria provided, single submitter. Criteria: ACMG Guidelines, 2015. Collection method: clinical testing. Allele origin: germline.
Comment: The UNC80 c.4424C>T variant is predicted to result in the amino acid substitution p.Thr1475Ile. To our knowledge, this variant has not been reported in the literature. This variant is reported in 0.0065% of alleles in individuals of European (Non-Finnish) descent in gnomAD. At this time, the clinical significance of this variant is uncertain due to the absence of conclusive functional and genetic evidence.

Baylor Genetics
Classification: Uncertain significance for Hypotonia, infantile, with psychomotor retardation and characteristic facies 2. Last evaluated: 2023-05-07. Review status: criteria provided, single submitter. Criteria: ACMG Guidelines, 2015. Collection method: clinical testing. Allele origin: unknown.

Ambry Genetics
Classification: Uncertain significance for Inborn genetic diseases. Last evaluated: 2022-12-27. Review status: criteria provided, single submitter. Criteria: Ambry Variant Classification Scheme 2023. Collection method: clinical testing. Allele origin: germline.

Labcorp Genetics (formerly Invitae), Labcorp
Classification: Uncertain significance. Last evaluated: 2022-03-19. Review status: criteria provided, single submitter. Criteria: Invitae Variant Classification Sherloc (09022015). Collection method: clinical testing. Allele origin: germline.
Comment: This sequence change replaces threonine, which is neutral and polar, with isoleucine, which is neutral and non-polar, at codon 1475 of the UNC80 protein (p.Thr1475Ile). This variant is present in population databases (rs771367972, gnomAD 0.007%). This variant has not been reported in the literature in individuals affected with UNC80-related conditions. Algorithms developed to predict the effect of missense changes on protein structure and function are either unavailable or do not agree on the potential impact of this missense change (SIFT: "Not Available"; PolyPhen-2: "Possibly Damaging"; Align-GVGD: "Not Available"). In summary, the available evidence is currently insufficient to determine the role of this variant in disease. Therefore, it has been classified as a Variant of Uncertain Significance.